The following is an entry in ClinVar:

NM_033380.3(COL4A5):c.4953C>A (p.Tyr1651Ter)

Gene: COL4A5 (collagen type IV alpha 5 chain; plus strand). Cytogenetic location: Xq22.3.
Variant type: single nucleotide variant.
Coding change: c.4953C>A on transcript NM_033380.3 (MANE Select); coding-DNA position 4953, C replaced by A.
Protein change: p.Tyr1651Ter; replaces tyrosine 1651 with a stop codon.
Molecular consequence: nonsense.
Genome position (GRCh38, 1-based): chrX:108,695,398, C>A. VCF-style: chrX-108695398-C-A. GRCh37 (hg19) VCF-style: chrX-107938628-C-A.
Other names: c.4935C>A, p.Tyr1645Ter (NM_000495.5); short protein forms Y1651*, Y1645*.
Identifiers: ClinVar variation 3721676 (VCV003721676.2).

ClinVar aggregate classification (germline): Pathogenic (1 of 4 stars; one submission).

Submission:

Labcorp Genetics (formerly Invitae), Labcorp
Classification: Pathogenic. Last evaluated: 2024-09-27. Review status: criteria provided, single submitter. Criteria: Invitae Variant Classification Sherloc (09022015). Collection method: clinical testing. Allele origin: germline.
Comment: This sequence change creates a premature translational stop signal (p.Tyr1645*) in the COL4A5 gene. While this is not anticipated to result in nonsense mediated decay, it is expected to disrupt the last 41 amino acid(s) of the COL4A5 protein. This variant is not present in population databases (gnomAD no frequency). This premature translational stop signal has been observed in individual(s) with Alport syndrome (PMID: 22921432). Algorithms developed to predict the effect of sequence changes on RNA splicing suggest that this variant may disrupt the consensus splice site. This variant disrupts a region of the COL4A5 protein in which other variant(s) (p.Arg1677*) have been determined to be pathogenic (PMID: 10094548, 12796257, 19728970, 19965530). This suggests that this is a clinically significant region of the protein, and that variants that disrupt it are likely to be disease-causing. For these reasons, this variant has been classified as Pathogenic.

Literature cited by the submitters: PubMed 22921432; PubMed 10094548; PubMed 12796257; PubMed 19728970; PubMed 19965530.